The following is an entry in ClinVar:

NM_000709.4(BCKDHA):c.595G>T (p.Glu199Ter)

Gene: BCKDHA (branched chain keto acid dehydrogenase E1 subunit alpha; plus strand). Cytogenetic location: 19q13.2.
Variant type: single nucleotide variant.
Coding change: c.595G>T on transcript NM_000709.4 (MANE Select); coding-DNA position 595, G replaced by T.
Protein change: p.Glu199Ter; replaces glutamic acid 199 with a stop codon.
Molecular consequence: nonsense.
Genome position (GRCh38, 1-based): chr19:41,419,245, G>T. VCF-style: chr19-41419245-G-T. GRCh37 (hg19) VCF-style: chr19-41925150-G-T.
Other names: c.595G>T, p.Glu199Ter (NM_001164783.2); short protein forms E199*.
Identifiers: ClinVar variation 5013394 (VCV005013394.1).

ClinVar aggregate classification (germline): Pathogenic (1 of 4 stars; one submission).

Conditions:
Maple syrup urine disease type 1A (MSUD1A). Also called: MSUD type 1A. Identifiers: MedGen C1855369, MONDO:0023691, OMIM 248600.

Submission:

Myriad Genetics, Inc.
Classification: Pathogenic for Maple syrup urine disease type 1A. Last evaluated: 2024-07-31. Review status: criteria provided, single submitter. Criteria: Myriad Autosomal Dominant, Autosomal Recessive and X-Linked Classification Criteria (2023). Collection method: clinical testing. Allele origin: unknown.
Comment: NM_000709.3(BCKDHA):c.595G>T(E199*) is expected to be pathogenic in the context of maple syrup urine disease type Ia. This variant is predicted to lead to an abnormal or absent protein product due to the creation of a premature termination codon in BCKDHA, a gene where loss-of-function variants are known to be pathogenic. Please note: this variant was assessed in the context of healthy population screening.